The following is an entry in ClinVar:

NM_001430.5(EPAS1):c.2062G>C (p.Gly688Arg)

Gene: EPAS1 (endothelial PAS domain protein 1; plus strand). Cytogenetic location: 2p21.
Variant type: single nucleotide variant.
Coding change: c.2062G>C on transcript NM_001430.5 (MANE Select); coding-DNA position 2062, G replaced by C.
Protein change: p.Gly688Arg; replaces glycine 688 with arginine.
Molecular consequence: missense variant.
Genome position (GRCh38, 1-based): chr2:46,381,612, G>C. VCF-style: chr2-46381612-G-C. GRCh37 (hg19) VCF-style: chr2-46608751-G-C.
Other names: short protein forms G688R.
Identifiers: ClinVar variation 4773941 (VCV004773941.1).

ClinVar aggregate classification (germline): Uncertain significance (1 of 4 stars; one submission).

Submission:

Labcorp Genetics (formerly Invitae), Labcorp
Classification: Uncertain significance. Last evaluated: 2025-02-12. Review status: criteria provided, single submitter. Criteria: Invitae Variant Classification Sherloc (09022015). Collection method: clinical testing. Allele origin: germline.
Comment: This sequence change replaces glycine, which is neutral and non-polar, with arginine, which is basic and polar, at codon 688 of the EPAS1 protein (p.Gly688Arg). This variant is not present in population databases (gnomAD no frequency). This variant has not been reported in the literature in individuals affected with EPAS1-related conditions. An algorithm developed to predict the effect of missense changes on protein structure and function outputs the following: PolyPhen-2: "Benign". The arginine amino acid residue is found in multiple mammalian species, which suggests that this missense change does not adversely affect protein function. In summary, the available evidence is currently insufficient to determine the role of this variant in disease. Therefore, it has been classified as a Variant of Uncertain Significance.